The following is an entry in ClinVar:

NM_003482.4(KMT2D):c.250C>T (p.Arg84Cys)

Gene: KMT2D (lysine methyltransferase 2D; minus strand). Cytogenetic location: 12q13.12.
Variant type: single nucleotide variant.
Coding change: c.250C>T on transcript NM_003482.4 (MANE Select); coding-DNA position 250, C replaced by T.
Protein change: p.Arg84Cys; replaces arginine 84 with cysteine.
Molecular consequence: missense variant.
Genome position (GRCh38, 1-based): chr12:49,054,678, G>A on the plus strand (C>T on the coding strand, the complement: KMT2D is on the minus strand). VCF-style: chr12-49054678-G-A. GRCh37 (hg19) VCF-style: chr12-49448461-G-A.
Other names: short protein forms R84C.
Identifiers: ClinVar variation 833921 (VCV000833921.10), dbSNP rs748173147, ClinGen allele CA6548759.

ClinVar aggregate classification (germline): Benign/Likely benign. Review status: criteria provided, multiple submitters, no conflicts (2 of 4 stars). 2 submissions from 2 submitters: Benign (1); Likely benign (1). Last evaluated 2025-05-22.

Conditions:
KMT2D-related disorder. Also called: KMT2D-Related Disorders.
Kabuki syndrome. Also called: Kabuki make-up syndrome; NIIKAWA-KUROKI SYNDROME. Identifiers: Orphanet 2322, MedGen C0796004, MONDO:0016512.

Allele frequency attached by ClinVar (database versions not stated): gnomAD 0.00002 and 0.00003; gnomAD exomes 0.00002 and 0.00005; TOPMed 0.00003; ExAC 0.00006.
gnomAD v4.1: 25 of 1,612,550 alleles (0.0016%); highest among the groups gnomAD compares: East Asian, 0.029%; no homozygotes.

Submissions (2):

Labcorp Genetics (formerly Invitae), Labcorp
Classification: Benign for Kabuki syndrome. Last evaluated: 2025-05-22. Review status: criteria provided, single submitter. Criteria: Invitae Variant Classification Sherloc (09022015). Collection method: clinical testing. Allele origin: germline.

PreventionGenetics, part of Exact Sciences
Classification: Likely benign for KMT2D-related condition. Last evaluated: 2025-02-07. Review status: criteria provided, single submitter. Criteria: ACMG Guidelines, 2015. Collection method: clinical testing. Allele origin: germline.
Comment: This variant is classified as likely benign based on ACMG/AMP sequence variant interpretation guidelines (Richards et al. 2015 PMID: 25741868, with internal and published modifications).